The following is an entry in ClinVar:

ClinVar aggregate classification (germline): Benign (0 of 4 stars; one submission).

Conditions:
FZD6-related disorder. Also called: FZD6-related condition.

Allele frequency attached by ClinVar (database versions not stated): gnomAD exomes 0.00060; ExAC 0.00147; gnomAD 0.00292; 1000 Genomes Project 0.00319; TOPMed 0.00356; ESP Exome Variant Server 0.00361; 1000 Genomes Project 30x 0.00390.
gnomAD v4.1: 1,261 of 1,510,682 alleles (0.083%); highest among the groups gnomAD compares: African/African-American, 1%; 8 homozygotes.

Submission:

PreventionGenetics, part of Exact Sciences
Classification: Benign for FZD6-related condition. Last evaluated: 2020-01-27. Review status: no assertion criteria provided. Collection method: clinical testing. Allele origin: germline.
Comment: This variant is classified as benign based on ACMG/AMP sequence variant interpretation guidelines (Richards et al. 2015 PMID: 25741868, with internal and published modifications).

NM_003506.4(FZD6):c.374+8A>G

Gene: FZD6 (frizzled class receptor 6; plus strand). Cytogenetic location: 8q22.3.
Variant type: single nucleotide variant.
Coding change: c.374+8A>G on transcript NM_003506.4 (MANE Select); 8 bases into the intron after coding-DNA position 374, A replaced by G.
Molecular consequence: intron variant.
Genome position (GRCh38, 1-based): chr8:103,318,794, A>G. VCF-style: chr8-103318794-A-G. GRCh37 (hg19) VCF-style: chr8-104331022-A-G.
Other names: c.374+8A>G (NM_001164615.2); c.33-6260A>G (NM_001317796.2); c.278+8A>G (NM_001164616.2).
Identifiers: ClinVar variation 3051746 (VCV003051746.2), dbSNP rs181084792, ClinGen allele CA4834770.
Genomic context (GRCh38, chr8:103,318,794, plus strand): 5'-AAATTAATTGACACTTTTGGGATCCGATGGCCTGAGGAGCTTGAATGTGACAGGTAAACA[A>G]TGTTTTTCATGGAAAGCTACTAATGGTATTTTACTACTGGTACTAGCTCTCTGGGATGTT-3'